The following is an entry in ClinVar:

NM_052832.4(SLC26A7):c.1558T>C (p.Tyr520His)

Gene: SLC26A7 (solute carrier family 26 member 7; plus strand). Cytogenetic location: 8q21.3.
Variant type: single nucleotide variant.
Coding change: c.1558T>C on transcript NM_052832.4 (MANE Select); coding-DNA position 1558, T replaced by C.
Protein change: p.Tyr520His; replaces tyrosine 520 with histidine.
Molecular consequence: missense variant.
Genome position (GRCh38, 1-based): chr8:91,366,649, T>C. VCF-style: chr8-91366649-T-C. GRCh37 (hg19) VCF-style: chr8-92378877-T-C.
Other names: c.1558T>C, p.Tyr520His (NM_001282356.2, NM_134266.2); c.655T>C, p.Tyr219His (NM_001282357.2); short protein forms Y219H, Y520H.
Identifiers: ClinVar variation 5042640 (VCV005042640.1).
Genomic context (GRCh38, chr8:91,366,649, plus strand): 5'-CAGCAGGTGAAAATTATCTCAATAAACAACCCGCTTGTTTTCCTGAATGCAAAAAAATTT[T>C]ATACTGATTTAATGAACATGATCCAAAAGGAAAATGCCTGTAATCAGCCACTTGATGATA-3'
Protein context (NP_439897.1, residues 510-530): PLVFLNAKKF[Tyr520His]TDLMNMIQKE

ClinVar aggregate classification (germline): Uncertain significance (1 of 4 stars; one submission).

Conditions:
Congenital hypothyroidism. Identifiers: Orphanet 442, MedGen C0010308, MONDO:0018612, HP:0000851.

gnomAD v4.1: 6 of 1,613,764 alleles (0.00037%); highest among the groups gnomAD compares: South Asian, 0.0066%; no homozygotes.

Submission:

Cambridge Genomics Laboratory, East Genomic Laboratory Hub, NHS Genomic Medicine Service
Classification: Uncertain significance for Congenital hypothyroidism. Last evaluated: 2026-10-19. Review status: criteria provided, single submitter. Criteria: ACGS Best Practice Guidelines for Variant Classification in Rare Disease 2020. Collection method: clinical testing. Allele origin: germline. Affected: yes.
Comment: PM1_Supporting,PM2,BP4